The following is an entry in ClinVar:

NM_000543.5(SMPD1):c.373C>T (p.Leu125=)

Gene: SMPD1 (sphingomyelin phosphodiesterase 1; plus strand). Cytogenetic location: 11p15.4.
Variant type: single nucleotide variant.
Coding change: c.373C>T on transcript NM_000543.5 (MANE Select); coding-DNA position 373, C replaced by T.
Protein change: p.Leu125=; no amino-acid change (leucine 125 retained).
Molecular consequence: synonymous variant. On other transcripts: 5 prime UTR variant (1), non-coding transcript variant (2).
Genome position (GRCh38, 1-based): chr11:6,391,438, C>T. VCF-style: chr11-6391438-C-T. GRCh37 (hg19) VCF-style: chr11-6412668-C-T.
Other names: c.370C>T, p.Leu124= (NM_001007593.3); c.373C>T, p.Leu125= (NM_001318087.2, NM_001365135.2); c.-589C>T (NM_001318088.2).
Identifiers: ClinVar variation 291102 (VCV000291102.19), dbSNP rs370048730, ClinGen allele CA5852589.

ClinVar aggregate classification (germline): Conflicting classifications of pathogenicity. Review status: criteria provided, conflicting classifications (1 of 4 stars). 5 submissions from 5 submitters: Uncertain significance (1); Likely benign (2). 2 of the submissions do not count toward it. Last evaluated 2026-01-20.

Conditions:
SMPD1-related disorder. Also called: SMPD1-related condition.
Inborn genetic diseases. Identifiers: MedGen C0950123, MeSH D030342.
Niemann-Pick disease, type A. Also called: SPHINGOMYELIN LIPIDOSIS; SPHINGOMYELINASE DEFICIENCY; Infantile Neurovisceral ASMD (Niemann-Pick Disease Type A; NPD-A). Identifiers: Orphanet 77292, MedGen C0268242, MONDO:0009756, OMIM 257200. Disease mechanism: loss of function.
Niemann-Pick disease, type B. Also called: Chronic Visceral ASMD (Niemann-Pick Disease Type B; NPD-B). Identifiers: Orphanet 77293, MedGen C0268243, MONDO:0011871, OMIM 607616. Disease mechanism: loss of function.
Sphingomyelin/cholesterol lipidosis. Also called: Niemann-Pick disease. Identifiers: MedGen C0028064, MONDO:0001982.

Allele frequency attached by ClinVar (database versions not stated): gnomAD exomes below 0.00001 and 0.00001; ExAC 0.00002; TOPMed 0.00002; gnomAD 0.00004 and 0.00006.

Submissions (5):

Labcorp Genetics (formerly Invitae), Labcorp
Classification: Likely benign for Niemann-Pick disease, type B; Niemann-Pick disease, type A. Last evaluated: 2026-01-20. Review status: criteria provided, single submitter. Criteria: Invitae Variant Classification Sherloc (09022015). Collection method: clinical testing. Allele origin: germline.

Ambry Genetics
Classification: Likely benign for Inborn genetic diseases. Last evaluated: 2022-07-27. Review status: criteria provided, single submitter. Criteria: Ambry Variant Classification Scheme 2023. Collection method: clinical testing. Allele origin: germline.

Eurofins Ntd Llc (ga)
Classification: Uncertain significance. Last evaluated: 2017-09-12. Review status: criteria provided, single submitter. Criteria: EGL Classification Definitions 2015. Collection method: clinical testing. Allele origin: germline. Observed: 4 variant alleles, 4 heterozygotes.

PreventionGenetics, part of Exact Sciences
Classification: Likely benign for SMPD1-related condition. Last evaluated: 2022-04-12. Review status: no assertion criteria provided. Collection method: clinical testing. Allele origin: germline. Not counted in ClinVar's aggregate classification.
Comment: This variant is classified as likely benign based on ACMG/AMP sequence variant interpretation guidelines (Richards et al. 2015 PMID: 25741868, with internal and published modifications).

Natera, Inc.
Classification: Uncertain significance for Acid sphingomyelinase deficiency. Last evaluated: 2018-07-16. Review status: no assertion criteria provided. Collection method: clinical testing. Allele origin: germline. Not counted in ClinVar's aggregate classification.